The following is an entry in ClinVar:

ClinVar aggregate classification (germline): Benign/Likely benign. Review status: criteria provided, multiple submitters, no conflicts (2 of 4 stars). 3 submissions from 3 submitters: Benign (1); Likely benign (2). Last evaluated 2025-06-04.

Conditions:
Hereditary cancer-predisposing syndrome. Also called: Neoplastic Syndromes, Hereditary; Tumor predisposition; Hereditary neoplastic syndrome; Hereditary Cancer Syndrome. Identifiers: Orphanet 140162, MedGen C0027672, MeSH D009386, MONDO:0015356.
Hereditary nonpolyposis colorectal neoplasms. Identifiers: MedGen C0009405, MeSH D003123.
Lynch syndrome 5 (LYNCH5). Also called: Colorectal cancer, hereditary nonpolyposis, type 5; Hereditary non-polyposis colorectal cancer, type 5. Identifiers: Orphanet 144, MedGen C1833477, MONDO:0013710, OMIM 614350. Disease mechanism: loss of function.

Allele frequency attached by ClinVar (database versions not stated): gnomAD exomes below 0.00001; ExAC 0.00001.

Submissions (3):

Labcorp Genetics (formerly Invitae), Labcorp
Classification: Likely benign for Hereditary nonpolyposis colorectal neoplasms. Last evaluated: 2025-06-04. Review status: criteria provided, single submitter. Criteria: Invitae Variant Classification Sherloc (09022015). Collection method: clinical testing. Allele origin: germline.

Myriad Genetics, Inc.
Classification: Benign for Lynch syndrome 5. Last evaluated: 2025-01-07. Review status: criteria provided, single submitter. Criteria: Myriad Autosomal Dominant, Autosomal Recessive and X-Linked Classification Criteria (2023). Collection method: clinical testing. Allele origin: unknown.
Comment: This variant is considered benign. This variant is a silent/synonymous amino acid change and it is not expected to impact splicing.

Ambry Genetics
Classification: Likely benign for Hereditary cancer-predisposing syndrome. Last evaluated: 2019-03-20. Review status: criteria provided, single submitter. Criteria: Ambry Variant Classification Scheme 2023. Collection method: clinical testing. Allele origin: germline.

NM_000179.3(MSH6):c.3448T>C (p.Leu1150=)

Gene: MSH6 (mutS homolog 6; plus strand). Cytogenetic location: 2p16.3.
Variant type: single nucleotide variant.
Coding change: c.3448T>C on transcript NM_000179.3 (MANE Select); coding-DNA position 3448, T replaced by C.
Protein change: p.Leu1150=; no amino-acid change (leucine 1150 retained).
Molecular consequence: synonymous variant.
Genome position (GRCh38, 1-based): chr2:47,804,919, T>C. VCF-style: chr2-47804919-T-C. GRCh37 (hg19) VCF-style: chr2-48032058-T-C.
Other names: c.3058T>C, p.Leu1020= (NM_001281492.2); c.2542T>C, p.Leu848= (NM_001281493.2, NM_001281494.2).
Identifiers: ClinVar variation 823783 (VCV000823783.8), dbSNP rs774584492, ClinGen allele CA070968.